The following is an entry in ClinVar:

NM_014314.4(RIGI):c.1569C>G (p.Phe523Leu)

Gene: RIGI (RNA sensor RIG-I; minus strand). Cytogenetic location: 9p21.1.
Variant type: single nucleotide variant.
Coding change: c.1569C>G on transcript NM_014314.4 (MANE Select); coding-DNA position 1569, C replaced by G.
Protein change: p.Phe523Leu; replaces phenylalanine 523 with leucine.
Molecular consequence: missense variant.
Genome position (GRCh38, 1-based): chr9:32,481,409, G>C on the plus strand (C>G on the coding strand, the complement: RIGI is on the minus strand). VCF-style: chr9-32481409-G-C. GRCh37 (hg19) VCF-style: chr9-32481407-G-C.
Other names: c.1563C>G, p.Phe521Leu (NM_001385907.1); c.1569C>G, p.Phe523Leu (NM_001385909.1); c.1128C>G, p.Phe376Leu (NM_001385910.1); c.960C>G, p.Phe320Leu (NM_001385912.1); c.1554C>G, p.Phe518Leu (NM_001385913.1); c.1125C>G, p.Phe375Leu (NM_001385914.1); short protein forms F320L, F521L, F523L, F376L, F518L, F375L.
Identifiers: ClinVar variation 4761770 (VCV004761770.1).

ClinVar aggregate classification (germline): Uncertain significance (1 of 4 stars; one submission).

gnomAD v4.1: 2 of 1,613,364 alleles (0.00012%); highest among the groups gnomAD compares: African/African-American, 0.0013%; no homozygotes.

Submission:

Labcorp Genetics (formerly Invitae), Labcorp
Classification: Uncertain significance. Last evaluated: 2025-10-26. Review status: criteria provided, single submitter. Criteria: Invitae Variant Classification Sherloc (09022015). Collection method: clinical testing. Allele origin: germline.
Comment: This sequence change replaces phenylalanine, which is neutral and non-polar, with leucine, which is neutral and non-polar, at codon 523 of the DDX58 protein (p.Phe523Leu). This variant is not present in population databases (gnomAD no frequency). This variant has not been reported in the literature in individuals affected with DDX58-related conditions. An algorithm developed to predict the effect of missense changes on protein structure and function outputs the following: PolyPhen-2: "Benign". The leucine amino acid residue is found in multiple mammalian species, which suggests that this missense change does not adversely affect protein function. In summary, the available evidence is currently insufficient to determine the role of this variant in disease. Therefore, it has been classified as a Variant of Uncertain Significance.